The following is an entry in ClinVar:

NM_004991.4(MECOM):c.2892G>A (p.Leu964=)

Gene: MECOM (MDS1 and EVI1 complex locus; minus strand). Cytogenetic location: 3q26.2.
Variant type: single nucleotide variant.
Coding change: c.2892G>A on transcript NM_004991.4 (MANE Select); coding-DNA position 2892, G replaced by A.
Protein change: p.Leu964=; no amino-acid change (leucine 964 retained).
Molecular consequence: synonymous variant.
Genome position (GRCh38, 1-based): chr3:169,095,203, C>T on the plus strand (G>A on the coding strand, the complement: MECOM is on the minus strand). VCF-style: chr3-169095203-C-T. GRCh37 (hg19) VCF-style: chr3-168812991-C-T.
Other names: c.2523G>A, p.Leu841= (NM_001105077.4); c.2328G>A, p.Leu776= (NM_001105078.4, NM_001205194.2, NM_001366469.2 and 1 more transcripts); c.2304G>A, p.Leu768= (NM_001163999.2, NM_001366470.2); c.2301G>A, p.Leu767= (NM_001164000.2, NM_001366471.2, NM_001366472.2); c.2865G>A, p.Leu955= (NM_001366466.2); c.2331G>A, p.Leu777= (NM_001366467.2, NM_001366468.2); c.1893G>A, p.Leu631= (NM_001366473.2); c.1329G>A, p.Leu443= (NM_001366474.2); and 1 more.
Identifiers: ClinVar variation 3036663 (VCV003036663.3), dbSNP rs1421616573, ClinGen allele CA436710317.

ClinVar aggregate classification (germline): Likely benign. Review status: criteria provided, single submitter (1 of 4 stars). 2 submissions from 2 submitters: Likely benign (1). 1 of the submissions does not count toward it. Last evaluated 2025-01-25.

Conditions:
MECOM-related disorder. Also called: MECOM-related condition.
Inborn genetic diseases. Identifiers: MedGen C0950123, MeSH D030342.

Allele frequency attached by ClinVar (database versions not stated): gnomAD exomes 0.00002.
gnomAD v4.1: 33 of 1,613,076 alleles (0.002%); highest among the groups gnomAD compares: Non-Finnish European, 0.0028%; no homozygotes.

Submissions (2):

Ambry Genetics
Classification: Likely benign for Inborn genetic diseases. Last evaluated: 2025-01-25. Review status: criteria provided, single submitter. Criteria: Ambry Variant Classification Scheme 2023. Collection method: clinical testing. Allele origin: germline.

PreventionGenetics, part of Exact Sciences
Classification: Likely benign for MECOM-related condition. Last evaluated: 2023-01-06. Review status: no assertion criteria provided. Collection method: clinical testing. Allele origin: germline. Not counted in ClinVar's aggregate classification.
Comment: This variant is classified as likely benign based on ACMG/AMP sequence variant interpretation guidelines (Richards et al. 2015 PMID: 25741868, with internal and published modifications).